The following is an entry in ClinVar:

NM_003919.3(SGCE):c.1196C>T (p.Pro399Leu)

Genes: CASD1 (CAS1 domain sialic acid O acetyltransferase 1; plus strand), SGCE (sarcoglycan epsilon; minus strand). Cytogenetic location: 7q21.3.
Variant type: single nucleotide variant.
Coding change: c.1196C>T on transcript NM_003919.3 (MANE Select); coding-DNA position 1196, C replaced by T.
Protein change: p.Pro399Leu; replaces proline 399 with leucine.
Molecular consequence: missense variant.
Genome position (GRCh38, 1-based): chr7:94,598,832, G>A on the plus strand (C>T on the coding strand, the complement: SGCE is on the minus strand). VCF-style: chr7-94598832-G-A. GRCh37 (hg19) VCF-style: chr7-94228144-G-A.
Other names: c.1169C>T, p.Pro390Leu (NM_001099400.2, NM_001346717.2); c.1196C>T, p.Pro399Leu (NM_001099401.2); c.1073C>T, p.Pro358Leu (NM_001301139.2); c.1304C>T, p.Pro435Leu (NM_001346713.2); c.1277C>T, p.Pro426Leu (NM_001346715.2); c.1109C>T, p.Pro370Leu (NM_001346719.2); c.923C>T, p.Pro308Leu (NM_001346720.2); c.1082C>T, p.Pro361Leu (NM_001362807.2); and 2 more; short protein forms P399L, P426L, P299L, P358L, P361L, P390L, P349L, P435L.
Identifiers: ClinVar variation 532793 (VCV000532793.14), dbSNP rs17851923, ClinGen allele CA4348607.

ClinVar aggregate classification (germline): Conflicting classifications of pathogenicity. Review status: criteria provided, conflicting classifications (1 of 4 stars). 4 submissions from 4 submitters: Uncertain significance (3); Benign (1). Last evaluated 2025-11-27.

Conditions:
Myoclonic dystonia 11 (DYT11). Also called: DYT-SGCE; Myoclonic dystonia; Dystonia 11; Dystonia, alcohol responsive; Hereditary essential myoclonus; SGCE Myoclonus-Dystonia. Identifiers: Orphanet 36899, MedGen C1834570, MONDO:0008044, OMIM 159900.

Allele frequency attached by ClinVar (database versions not stated): ExAC 0.00006; gnomAD exomes 0.00006 and 0.00012; gnomAD 0.00007; TOPMed 0.00007.
gnomAD v4.1: 184 of 1,613,164 alleles (0.011%); highest among the groups gnomAD compares: Non-Finnish European, 0.014%; no homozygotes.

Submissions (4):

Labcorp Genetics (formerly Invitae), Labcorp
Classification: Uncertain significance for Myoclonic dystonia 11. Last evaluated: 2025-11-27. Review status: criteria provided, single submitter. Criteria: Invitae Variant Classification Sherloc (09022015). Collection method: clinical testing. Allele origin: germline.
Comment: This sequence change replaces proline, which is neutral and non-polar, with leucine, which is neutral and non-polar, at codon 399 of the SGCE protein (p.Pro399Leu). This variant is present in population databases (rs17851923, gnomAD 0.01%). This variant has not been reported in the literature in individuals affected with SGCE-related conditions. ClinVar contains an entry for this variant (Variation ID: 532793). Invitae Evidence Modeling of protein sequence and biophysical properties (such as structural, functional, and spatial information, amino acid conservation, physicochemical variation, residue mobility, and thermodynamic stability) indicates that this missense variant is not expected to disrupt SGCE protein function with a negative predictive value of 80%. In summary, the available evidence is currently insufficient to determine the role of this variant in disease. Therefore, it has been classified as a Variant of Uncertain Significance.

GeneDx
Classification: Uncertain significance. Last evaluated: 2025-02-12. Review status: criteria provided, single submitter. Criteria: GeneDx Variant Classification Process June 2021. Collection method: clinical testing. Allele origin: germline. Affected: yes.
Comment: In silico analysis supports that this missense variant has a deleterious effect on protein structure/function; Has not been previously published as pathogenic or benign to our knowledge

Revvity Omics, Revvity
Classification: Uncertain significance for Myoclonic dystonia 11. Last evaluated: 2024-11-11. Review status: criteria provided, single submitter. Criteria: ACMG Guidelines, 2015. Collection method: clinical testing. Allele origin: germline.

Illumina Laboratory Services, Illumina
Classification: Benign for Myoclonic dystonia 11. Last evaluated: 2017-05-15. Review status: criteria provided, single submitter. Criteria: ICSL Variant Classification Criteria 13 December 2019. Collection method: clinical testing. Allele origin: germline.
Comment: This variant was observed as part of a predisposition screen in an ostensibly healthy population. A literature search was performed for the gene, cDNA change, and amino acid change (where applicable). No publications were found based on this search. Allele frequency data from public databases was too high to be consistent with this variant causing disease. Therefore, this variant is classified as benign.